The following is an entry in ClinVar:

NM_205768.3(ZBTB18):c.1307G>A (p.Arg436His)

Gene: ZBTB18 (zinc finger and BTB domain containing 18; plus strand). Cytogenetic location: 1q44.
Variant type: single nucleotide variant.
Coding change: c.1307G>A on transcript NM_205768.3 (MANE Select); coding-DNA position 1307, G replaced by A.
Protein change: p.Arg436His; replaces arginine 436 with histidine.
Molecular consequence: missense variant.
Genome position (GRCh38, 1-based): chr1:244,055,081, G>A. VCF-style: chr1-244055081-G-A. GRCh37 (hg19) VCF-style: chr1-244218383-G-A.
Other names: c.1280G>A, p.Arg427His (NM_001278196.2, NM_006352.5); short protein forms R427H, R436H.
Identifiers: ClinVar variation 976114 (VCV000976114.15), dbSNP rs1572531765, ClinGen allele CA345674828.
Genomic context (GRCh38, chr1:244,055,081, plus strand): 5'-TCAACGTGCCCACGTGCTCGCTGTGTGGGAAGACTTTCTCTTGCATGTACACCCTCAAGC[G>A]CCACGAGAGGACTCACTCGGGGGAGAAGCCCTACACATGCACCCAGTGCGGCAAGAGCTT-3'
Protein context (NP_991331.1, residues 426-446): KTFSCMYTLK[Arg436His]HERTHSGEKP

ClinVar aggregate classification (germline): Pathogenic/Likely pathogenic. Review status: criteria provided, multiple submitters, no conflicts (2 of 4 stars). 4 submissions from 4 submitters: Pathogenic (1); Likely pathogenic (3). Last evaluated 2024-02-02.

Conditions:
Intellectual developmental disorder, autosomal dominant 22. Also called: Intellectual disability, autosomal dominant 22. Identifiers: MedGen CN029689, MONDO:0012869, OMIM 612337.

Submissions (4):

GeneDx
Classification: Pathogenic. Last evaluated: 2024-02-02. Review status: criteria provided, single submitter. Criteria: GeneDx Variant Classification Process June 2021. Collection method: clinical testing. Allele origin: germline. Affected: yes.
Comment: Not observed at significant frequency in large population cohorts (gnomAD); In silico analysis supports that this missense variant has a deleterious effect on protein structure/function; Reported as an assumed de novo variant and as a de novo variant with confirmed parentage in (ClinVar SCV002043757.1, SCV001428962.1); This variant is associated with the following publications: (PMID: 33621064, 31238879)

Labcorp Genetics (formerly Invitae), Labcorp
Classification: Likely pathogenic. Last evaluated: 2023-09-09. Review status: criteria provided, single submitter. Criteria: Invitae Variant Classification Sherloc (09022015). Collection method: clinical testing. Allele origin: germline.
Comment: This sequence change replaces arginine, which is basic and polar, with histidine, which is basic and polar, at codon 436 of the ZBTB18 protein (p.Arg436His). This variant is not present in population databases (gnomAD no frequency). This missense change has been observed in individuals with clinical features of ZBTB18-related conditions (PMID: 31238879; Invitae). ClinVar contains an entry for this variant (Variation ID: 976114). Advanced modeling of protein sequence and biophysical properties (such as structural, functional, and spatial information, amino acid conservation, physicochemical variation, residue mobility, and thermodynamic stability) performed at Invitae indicates that this missense variant is expected to disrupt ZBTB18 protein function. In summary, the currently available evidence indicates that the variant is pathogenic, but additional data are needed to prove that conclusively. Therefore, this variant has been classified as Likely Pathogenic.

Diagnostics Services (NGS), CSIR - Centre For Cellular And Molecular Biology
Classification: Likely pathogenic for Intellectual developmental disorder, autosomal dominant 22. Last evaluated: 2021-11-22. Review status: criteria provided, single submitter. Criteria: ACMG Guidelines, 2015. Collection method: clinical testing. Allele origin: de novo. Inheritance: Autosomal dominant inheritance. Affected: yes. Observed: 1 variant allele, 1 heterozygote.
Comment: The c.1307G>A variant is not present in publicly available population databases like 1000 Genomes, Exome Variant Server (EVS), Exome Aggregation Consortium (ExAC), Genome Aggregation Database (gnomAD) and dbSNP. The variant is not present in Indian Exome Database and in our in-house exome database. The variant was not earlier reported to ClinVar, Human Genome Mutation Database (HGMD) or OMIM databases in any affected individuals. In-silico pathogenicity prediction programs like SIFT, Polyphen-2, MutationTaster2, CADD, Varsome etc. predicted this variant to be likely deleterious but these predictions have not been confirmed by published functional studies. The variant was not identified in any of the parents, that confirms the denovo state of the variant.

Revvity Omics, Revvity
Classification: Likely pathogenic for Intellectual developmental disorder, autosomal dominant 22. Last evaluated: 2021-05-08. Review status: criteria provided, single submitter. Criteria: ACMG Guidelines, 2015. Collection method: clinical testing. Allele origin: germline.

Literature cited by the submitters: PubMed 31238879 (cited by Labcorp Genetics (formerly Invitae), Labcorp).